The following is an entry in ClinVar:

GRCh37/hg19 7q11.22(chr7:69325516-69389457)x1

Gene: AUTS2 (activator of transcription and developmental regulator AUTS2; plus strand). Cytogenetic location: 7q11.22.
Variant type: copy number loss.
Change: copy number 1 (one copy instead of two) of chr7:69,325,516-69,389,457 (63.9 kb, GRCh37 coordinates, 1-based), cytogenetic band 7q11.22.
Identifiers: ClinVar variation 3602635 (VCV003602635.1).

ClinVar aggregate classification (germline): Uncertain significance (1 of 4 stars; one submission).

Submission:

Quest Diagnostics Nichols Institute San Juan Capistrano
Classification: Uncertain significance. Last evaluated: 2025-02-06. Review status: criteria provided, single submitter. Criteria: ACMG/ClinGen CNV Guidelines, 2019. Collection method: clinical testing. Allele origin: unknown.
Comment: This deletion involves a single exon (exon 2; NM_015570.4) of the AUTS2 gene (OMIM 607270) and is NOT predicted to result in a frameshift. A number of heterozygous intragenic deletions of AUTS2 have been reported in individuals with variable degrees of intellectual disability (ID), developmental delay, speech delay, and congenital malformations (Beunders 2016, Maron 2021). It has been suggested that N-terminal variants affecting exons 1-8 of AUTS2 result in a less severe phenotype than downstream variants (Beunders 2016, Biel 2022). Additionally, haploinsufficiency of AUTS2 due to loss-of-function sequence variants and disruptive deletions/insertions is associated with intellectual disability-26 (OMIM 615834) (Asadollahi 2014, Bartnik 2014, Beunders 2016, Fan 2016, Nagamani 2013, Stojanovic 2021). However, while individuals with deletions overlapping exon 2 have been reported with some of the features mentioned above, they did not always share common presentations (Amarillo 2014). Furthermore, one proband with ID inherited the deletion from their father who was reported to be clinically unaffected, with normal intelligence (Beunders 2013). Thus, based on current medical literature, this copy number variant (CNV) is classified as a variant of uncertain significance. References: Amarillo et al., Am J Med Genet A. 2014 Apr;164A(4):958-65.). PMID: 24459036; Asadollahi et al., J Med Genet. 2014 Oct;51(10):677-88. PMID: 25106414; Bartnik et al., Dev Period Med. 2014 Jul-Sep;18(3):307-17. PMID: 25182394; Beunders et al., Am J Hum Genet. 2013 Feb 7;92(2):210-20 PMID: 23332918; Beunders et al., J Med Genet. 2016 Apr 13, PMID:27075013; Biel et al., Front Mol Neurosci. 2022 Mar 31:15:858582. PMID: 35431798; Fan et al., Am J Med Genet A. 2016 Feb;170A(2):515-522. PMID: 26545289; Nagamani et al., Eur J Hum Genet. 2013 Mar;21(3):343-6. PMID: 22872102; Stojanovic et al., J Child Neurol. 2020 Feb;35(2):116-131. PMID: 31623504